The following is an entry in ClinVar:

NM_001384474.1(LOXHD1):c.5935G>A (p.Glu1979Lys)

Gene: LOXHD1 (lipoxygenase homology PLAT domains 1; minus strand). Cytogenetic location: 18q21.1.
Variant type: single nucleotide variant.
Coding change: c.5935G>A on transcript NM_001384474.1 (MANE Select); coding-DNA position 5935, G replaced by A.
Protein change: p.Glu1979Lys; replaces glutamic acid 1979 with lysine.
Molecular consequence: missense variant.
Genome position (GRCh38, 1-based): chr18:46,489,086, C>T on the plus strand (G>A on the coding strand, the complement: LOXHD1 is on the minus strand). VCF-style: chr18-46489086-C-T. GRCh37 (hg19) VCF-style: chr18-44069049-C-T.
Other names: c.5749G>A (NM_144612.6); c.2602G>A, p.Glu868Lys (NM_001145472.3); c.652G>A, p.Glu218Lys (NM_001145473.3, NM_001173129.2); c.2314G>A, p.Glu772Lys (NM_001308013.2); c.5749G>A, p.Glu1917Lys (NM_144612.7); short protein forms E868K, E1917K, E218K, E772K, E1979K.
Identifiers: ClinVar variation 2142801 (VCV002142801.4), dbSNP rs757795682, ClinGen allele CA299786965.

ClinVar aggregate classification (germline): Uncertain significance. Review status: criteria provided, multiple submitters, no conflicts (2 of 4 stars). 3 submissions from 3 submitters: Uncertain significance (3). Last evaluated 2024-03-28.

Conditions:
Inborn genetic diseases. Identifiers: MedGen C0950123, MeSH D030342.

Allele frequency attached by ClinVar (database versions not stated): TOPMed 0.00004; gnomAD 0.00006; gnomAD exomes 0.00012.
gnomAD v4.1: 179 of 1,551,598 alleles (0.012%); highest among the groups gnomAD compares: East Asian, 0.022%; no homozygotes.

Submissions (3):

Blueprint Genetics
Classification: Uncertain significance. Last evaluated: 2024-03-28. Review status: criteria provided, single submitter. Criteria: ACMG Guidelines, 2015. Collection method: clinical testing. Allele origin: germline.

Ambry Genetics
Classification: Uncertain significance for Inborn genetic diseases. Last evaluated: 2023-05-26. Review status: criteria provided, single submitter. Criteria: Ambry Variant Classification Scheme 2023. Collection method: clinical testing. Allele origin: germline.

Labcorp Genetics (formerly Invitae), Labcorp
Classification: Uncertain significance. Last evaluated: 2022-07-12. Review status: criteria provided, single submitter. Criteria: Invitae Variant Classification Sherloc (09022015). Collection method: clinical testing. Allele origin: germline.
Comment: This sequence change replaces glutamic acid, which is acidic and polar, with lysine, which is basic and polar, at codon 1917 of the LOXHD1 protein (p.Glu1917Lys). This variant is present in population databases (rs757795682, gnomAD 0.06%). This variant has not been reported in the literature in individuals affected with LOXHD1-related conditions. Algorithms developed to predict the effect of missense changes on protein structure and function (SIFT, PolyPhen-2, Align-GVGD) all suggest that this variant is likely to be tolerated. In summary, the available evidence is currently insufficient to determine the role of this variant in disease. Therefore, it has been classified as a Variant of Uncertain Significance.